The following is an entry in ClinVar:

NM_000264.5(PTCH1):c.76C>T (p.Arg26Trp)

Genes: PTCH1 (patched 1; minus strand), LOC130002133 (ATAC-STARR-seq lymphoblastoid silent region 20071; plus strand). Cytogenetic location: 9q22.32.
Variant type: single nucleotide variant.
Coding change: c.76C>T on transcript NM_000264.5 (MANE Select); coding-DNA position 76, C replaced by T.
Protein change: p.Arg26Trp; replaces arginine 26 with tryptophan.
Molecular consequence: missense variant. On other transcripts: non-coding transcript variant (1), intron variant (3).
Genome position (GRCh38, 1-based): chr9:95,508,286, G>A on the plus strand (C>T on the coding strand, the complement: PTCH1 is on the minus strand). VCF-style: chr9-95508286-G-A. GRCh37 (hg19) VCF-style: chr9-98270568-G-A.
Other names: c.76C>T (NM_000264.4); c.76C>T, p.Arg26Trp (NM_001354918.2); c.199-1687C>T (NM_001083603.3); c.4-1687C>T (NM_001083602.3, NM_001354919.2); short protein forms R26W.
Identifiers: ClinVar variation 647603 (VCV000647603.17), dbSNP rs1408427240, ClinGen allele CA374121470.

ClinVar aggregate classification (germline): Uncertain significance. Review status: criteria provided, multiple submitters, no conflicts (2 of 4 stars). 5 submissions from 5 submitters: Uncertain significance (5). Last evaluated 2025-11-18.

Conditions:
Hereditary cancer-predisposing syndrome. Also called: Hereditary Cancer Syndrome; Tumor predisposition; Neoplastic Syndromes, Hereditary; Hereditary neoplastic syndrome. Identifiers: Orphanet 140162, MedGen C0027672, MeSH D009386, MONDO:0015356.
Basal cell carcinoma, susceptibility to, 1. Also called: BCC1. Identifiers: MedGen C2751544, MONDO:0011556, OMIM 605462.
Gorlin syndrome. Also called: Basal cell nevus syndrome; Nevoid Basal Cell Carcinoma Syndrome. Identifiers: Orphanet 377, MedGen C0004779, MONDO:0007187.

Allele frequency attached by ClinVar (database versions not stated): gnomAD exomes 0.00003; TOPMed 0.00003.
gnomAD v4.1: 44 of 1,541,548 alleles (0.0029%); highest among the groups gnomAD compares: African/African-American, 0.0042%; no homozygotes.

Submissions (5):

Labcorp Genetics (formerly Invitae), Labcorp
Classification: Uncertain significance for Gorlin syndrome. Last evaluated: 2025-11-18. Review status: criteria provided, single submitter. Criteria: Invitae Variant Classification Sherloc (09022015). Collection method: clinical testing. Allele origin: germline.
Comment: This sequence change replaces arginine, which is basic and polar, with tryptophan, which is neutral and slightly polar, at codon 26 of the PTCH1 protein (p.Arg26Trp). The frequency data for this variant in the population databases is considered unreliable, as metrics indicate poor data quality at this position in the gnomAD database. This variant has not been reported in the literature in individuals affected with PTCH1-related conditions. ClinVar contains an entry for this variant (Variation ID: 647603). Invitae Evidence Modeling of protein sequence and biophysical properties (such as structural, functional, and spatial information, amino acid conservation, physicochemical variation, residue mobility, and thermodynamic stability) indicates that this missense variant is not expected to disrupt PTCH1 protein function with a negative predictive value of 95%. In summary, the available evidence is currently insufficient to determine the role of this variant in disease. Therefore, it has been classified as a Variant of Uncertain Significance.

GeneDx
Classification: Uncertain significance. Last evaluated: 2025-05-02. Review status: criteria provided, single submitter. Criteria: GeneDx Variant Classification Process June 2021. Collection method: clinical testing. Allele origin: germline. Affected: yes.
Comment: In silico analysis suggests that this missense variant does not alter protein structure/function; Has not been previously published as pathogenic or benign to our knowledge

Quest Diagnostics Nichols Institute San Juan Capistrano
Classification: Uncertain significance. Last evaluated: 2025-02-07. Review status: criteria provided, single submitter. Criteria: Quest Diagnostics criteria. Collection method: clinical testing. Allele origin: unknown.
Comment: The PTCH1 c.76C>T (p.Arg26Trp) variant has not been reported in individuals with PTCH1-related conditions in the published literature. The frequency of this variant in the general population (Genome Aggregation Database) is uninformative in the assessment of its pathogenicity. Analysis of this variant using bioinformatics tools for the prediction of the effect of amino acid changes on protein structure and function yielded predictions that this variant is benign. Based on the available information, we are unable to determine the clinical significance of this variant.

Ambry Genetics
Classification: Uncertain significance for Hereditary cancer-predisposing syndrome. Last evaluated: 2024-04-07. Review status: criteria provided, single submitter. Criteria: Ambry Variant Classification Scheme 2023. Collection method: clinical testing. Allele origin: germline.
Comment: The p.R26W variant (also known as c.76C>T), located in coding exon 1 of the PTCH1 gene, results from a C to T substitution at nucleotide position 76. The arginine at codon 26 is replaced by tryptophan, an amino acid with dissimilar properties. This amino acid position is not well conserved in available vertebrate species. In addition, this alteration is predicted to be tolerated by in silico analysis. Since supporting evidence is limited at this time, the clinical significance of this alteration remains unclear.

Baylor Genetics
Classification: Uncertain significance for Basal cell carcinoma, susceptibility to, 1. Last evaluated: 2023-09-03. Review status: criteria provided, single submitter. Criteria: ACMG Guidelines, 2015. Collection method: clinical testing. Allele origin: unknown.